The following is an entry in ClinVar:

ClinVar aggregate classification (germline): Uncertain significance. Review status: criteria provided, multiple submitters, no conflicts (2 of 4 stars). 2 submissions from 2 submitters: Uncertain significance (2). Last evaluated 2025-10-08.

Conditions:
MYH3-related disorder. Also called: MYH3-Related Disorders; MYH3-related condition. Identifiers: MedGen CN239329.

Allele frequency attached by ClinVar (database versions not stated): gnomAD exomes 0.00001; TOPMed 0.00001; ExAC 0.00002; gnomAD 0.00002.
gnomAD v4.1: 17 of 1,614,054 alleles (0.0011%); highest among the groups gnomAD compares: South Asian, 0.0044%; no homozygotes.

Submissions (2):

Labcorp Genetics (formerly Invitae), Labcorp
Classification: Uncertain significance. Last evaluated: 2025-10-08. Review status: criteria provided, single submitter. Criteria: Invitae Variant Classification Sherloc (09022015). Collection method: clinical testing. Allele origin: germline.
Comment: This sequence change replaces glycine, which is neutral and non-polar, with serine, which is neutral and polar, at codon 11 of the MYH3 protein (p.Gly11Ser). This variant is present in population databases (rs567246879, gnomAD 0.002%). This variant has not been reported in the literature in individuals affected with MYH3-related conditions. ClinVar contains an entry for this variant (Variation ID: 2628501). Invitae Evidence Modeling of protein sequence and biophysical properties (such as structural, functional, and spatial information, amino acid conservation, physicochemical variation, residue mobility, and thermodynamic stability) has been performed for this missense variant. However, the output from this modeling did not meet the statistical confidence thresholds required to predict the impact of this variant on MYH3 protein function. In summary, the available evidence is currently insufficient to determine the role of this variant in disease. Therefore, it has been classified as a Variant of Uncertain Significance.

PreventionGenetics, part of Exact Sciences
Classification: Uncertain significance for MYH3-related condition. Last evaluated: 2023-05-25. Review status: criteria provided, single submitter. Criteria: ACMG Guidelines, 2015. Collection method: clinical testing. Allele origin: germline.
Comment: The MYH3 c.31G>A variant is predicted to result in the amino acid substitution p.Gly11Ser. To our knowledge, this variant has not been reported in the literature. This variant is reported in 0.0018% of alleles in individuals of European (Non-Finnish) descent in gnomAD. At this time, the clinical significance of this variant is uncertain due to the absence of conclusive functional and genetic evidence.

NM_002470.4(MYH3):c.31G>A (p.Gly11Ser)

Gene: MYH3 (myosin heavy chain 3; minus strand). Cytogenetic location: 17p13.1.
Variant type: single nucleotide variant.
Coding change: c.31G>A on transcript NM_002470.4 (MANE Select); coding-DNA position 31, G replaced by A.
Protein change: p.Gly11Ser; replaces glycine 11 with serine.
Molecular consequence: missense variant.
Genome position (GRCh38, 1-based): chr17:10,655,034, C>T on the plus strand (G>A on the coding strand, the complement: MYH3 is on the minus strand). VCF-style: chr17-10655034-C-T. GRCh37 (hg19) VCF-style: chr17-10558351-C-T.
Other names: short protein forms G11S.
Identifiers: ClinVar variation 2628501 (VCV002628501.3), dbSNP rs567246879, ClinGen allele CA8393424.